The following is an entry in ClinVar:

ClinVar aggregate classification (germline): Uncertain significance. Review status: criteria provided, multiple submitters, no conflicts (2 of 4 stars). 2 submissions from 2 submitters: Uncertain significance (2). Last evaluated 2021-09-01.

Conditions:
Cystic fibrosis (CF). Also called: MUCOVISCIDOSIS. Identifiers: Orphanet 586, MedGen C0010674, MONDO:0009061, OMIM 219700. Disease mechanism: loss of function.

Allele frequency attached by ClinVar (database versions not stated): gnomAD exomes 0.00001; TOPMed 0.00001; gnomAD 0.00001.
gnomAD v4.1: 16 of 1,591,408 alleles (0.001%); highest among the groups gnomAD compares: Admixed American, 0.0017%; no homozygotes.

Submissions (2):

Labcorp Genetics (formerly Invitae), Labcorp
Classification: Uncertain significance for Cystic fibrosis. Last evaluated: 2021-09-01. Review status: criteria provided, single submitter. Criteria: Invitae Variant Classification Sherloc (09022015). Collection method: clinical testing. Allele origin: germline.
Comment: This sequence change replaces lysine with arginine at codon 978 of the CFTR protein (p.Lys978Arg). The lysine residue is highly conserved and there is a small physicochemical difference between lysine and arginine. This variant is not present in population databases (ExAC no frequency). This variant has not been reported in the literature in individuals affected with CFTR-related conditions. Algorithms developed to predict the effect of missense changes on protein structure and function are either unavailable or do not agree on the potential impact of this missense change (SIFT: "Tolerated"; PolyPhen-2: "Possibly Damaging"; Align-GVGD: "Class C0"). Experimental studies have shown that this missense change does not substantially affect CFTR function (PMID: 17582383, 21483833). In summary, the available evidence is currently insufficient to determine the role of this variant in disease. Therefore, it has been classified as a Variant of Uncertain Significance.

Ambry Genetics
Classification: Uncertain significance for Cystic fibrosis. Last evaluated: 2019-03-19. Review status: criteria provided, single submitter. Criteria: Ambry Variant Classification Scheme 2023. Collection method: clinical testing. Allele origin: germline.
Comment: The p.K978R variant (also known as c.2933A>G), located in coding exon 18 of the CFTR gene, results from an A to G substitution at nucleotide position 2933. The lysine at codon 978 is replaced by arginine, an amino acid with highly similar properties. This amino acid position is highly conserved in available vertebrate species. In addition, this alteration is predicted to be deleterious by in silico analysis. Since supporting evidence is limited at this time, the clinical significance of this alteration remains unclear.

Literature cited by the submitters: PubMed 17582383 (cited by Labcorp Genetics (formerly Invitae), Labcorp); PubMed 21483833 (cited by Labcorp Genetics (formerly Invitae), Labcorp).

NM_000492.4(CFTR):c.2933A>G (p.Lys978Arg)

Genes: CFTR (CF transmembrane conductance regulator; plus strand), CFTR-AS2 (CFTR antisense RNA 2; minus strand). Cytogenetic location: 7q31.2.
Variant type: single nucleotide variant.
Coding change: c.2933A>G on transcript NM_000492.4 (MANE Select); coding-DNA position 2933, A replaced by G.
Protein change: p.Lys978Arg; replaces lysine 978 with arginine.
Molecular consequence: missense variant.
Genome position (GRCh38, 1-based): chr7:117,606,698, A>G. VCF-style: chr7-117606698-A-G. GRCh37 (hg19) VCF-style: chr7-117246752-A-G.
Other names: short protein forms K978R.
Identifiers: ClinVar variation 1797841 (VCV001797841.4), dbSNP rs943473311, ClinGen allele CA164962410.